The following is an entry in ClinVar:

ClinVar aggregate classification (germline): Uncertain significance (1 of 4 stars; one submission).

Submission:

GeneDx
Classification: Uncertain significance. Last evaluated: 2024-12-09. Review status: criteria provided, single submitter. Criteria: GeneDx Variant Classification Process June 2021. Collection method: clinical testing. Allele origin: germline. Affected: yes.
Comment: Not observed at significant frequency in large population cohorts (gnomAD); In silico analysis supports that this missense variant has a deleterious effect on protein structure/function; Has not been previously published as pathogenic or benign to our knowledge

NM_016284.5(CNOT1):c.3956C>T (p.Pro1319Leu)

Gene: CNOT1 (CCR4-NOT transcription complex subunit 1; minus strand). Cytogenetic location: 16q21.
Variant type: single nucleotide variant.
Coding change: c.3956C>T on transcript NM_016284.5 (MANE Select); coding-DNA position 3956, C replaced by T.
Protein change: p.Pro1319Leu; replaces proline 1319 with leucine.
Molecular consequence: missense variant. On other transcripts: non-coding transcript variant (1).
Genome position (GRCh38, 1-based): chr16:58,546,371, G>A on the plus strand (C>T on the coding strand, the complement: CNOT1 is on the minus strand). VCF-style: chr16-58546371-G-A. GRCh37 (hg19) VCF-style: chr16-58580275-G-A.
Other names: c.3941C>T, p.Pro1314Leu (NM_001265612.2); c.3956C>T, p.Pro1319Leu (NM_206999.3); short protein forms P1314L, P1319L.
Identifiers: ClinVar variation 3901468 (VCV003901468.1).
Genomic context (GRCh38, chr16:58,546,371, plus strand): 5'-GCACACTTACTTGTGGTTGTGATGGGAGGGAGTTCTTCTGGCTGCTTGACATCTTTCTTT[G>A]GAGCAGAGAGTTGCTCATCTAAATTCTTCAGGCGATCTTTATCCTTTAGGAGGTTTCCAG-3'
Protein context (NP_057368.3, residues 1309-1329): LKNLDEQLSA[Pro1319Leu]KKDVKQPEEL